The following is an entry in ClinVar:

NM_001282531.3(ADNP):c.1217A>T (p.Gln406Leu)

Gene: ADNP (activity dependent neuroprotector homeobox; minus strand). Cytogenetic location: 20q13.13.
Variant type: single nucleotide variant.
Coding change: c.1217A>T on transcript NM_001282531.3 (MANE Select); coding-DNA position 1217, A replaced by T.
Protein change: p.Gln406Leu; replaces glutamine 406 with leucine.
Molecular consequence: missense variant.
Genome position (GRCh38, 1-based): chr20:50,893,497, T>A on the plus strand (A>T on the coding strand, the complement: ADNP is on the minus strand). VCF-style: chr20-50893497-T-A. GRCh37 (hg19) VCF-style: chr20-49510034-T-A.
Other names: c.1217A>T, p.Gln406Leu (NM_001282532.2, NM_001347511.2, NM_015339.5 and 1 more transcripts); short protein forms Q406L.
Identifiers: ClinVar variation 3721823 (VCV003721823.2).

ClinVar aggregate classification (germline): Uncertain significance (1 of 4 stars; one submission).

Submission:

Labcorp Genetics (formerly Invitae), Labcorp
Classification: Uncertain significance. Last evaluated: 2024-09-29. Review status: criteria provided, single submitter. Criteria: Invitae Variant Classification Sherloc (09022015). Collection method: clinical testing. Allele origin: germline.
Comment: This sequence change replaces glutamine, which is neutral and polar, with leucine, which is neutral and non-polar, at codon 406 of the ADNP protein (p.Gln406Leu). This variant is not present in population databases (gnomAD no frequency). This variant has not been reported in the literature in individuals affected with ADNP-related conditions. An algorithm developed to predict the effect of missense changes on protein structure and function (PolyPhen-2) suggests that this variant is likely to be tolerated. In summary, the available evidence is currently insufficient to determine the role of this variant in disease. Therefore, it has been classified as a Variant of Uncertain Significance.